The following is an entry in ClinVar:

ClinVar aggregate classification (germline): Uncertain significance (1 of 4 stars; one submission).

Conditions:
Mowat-Wilson syndrome (MOWS). Also called: Classic Mowat-Wilson Syndrome. Identifiers: Orphanet 2152, MedGen C1856113, MONDO:0009341, OMIM 235730.

Submission:

Labcorp Genetics (formerly Invitae), Labcorp
Classification: Uncertain significance for Mowat-Wilson syndrome. Last evaluated: 2022-02-19. Review status: criteria provided, single submitter. Criteria: Invitae Variant Classification Sherloc (09022015). Collection method: clinical testing. Allele origin: germline.
Comment: This variant has not been reported in the literature in individuals affected with ZEB2-related conditions. In summary, the available evidence is currently insufficient to determine the role of this variant in disease. Therefore, it has been classified as a Variant of Uncertain Significance. Algorithms developed to predict the effect of missense changes on protein structure and function are either unavailable or do not agree on the potential impact of this missense change (SIFT: "Deleterious"; PolyPhen-2: "Benign"; Align-GVGD: "Class C0"). This variant is not present in population databases (gnomAD no frequency). This sequence change replaces phenylalanine, which is neutral and non-polar, with leucine, which is neutral and non-polar, at codon 397 of the ZEB2 protein (p.Phe397Leu).

NM_014795.4(ZEB2):c.1191C>A (p.Phe397Leu)

Gene: ZEB2 (zinc finger E-box binding homeobox 2; minus strand). Cytogenetic location: 2q22.3.
Variant type: single nucleotide variant.
Coding change: c.1191C>A on transcript NM_014795.4 (MANE Select); coding-DNA position 1191, C replaced by A.
Protein change: p.Phe397Leu; replaces phenylalanine 397 with leucine.
Molecular consequence: missense variant.
Genome position (GRCh38, 1-based): chr2:144,399,996, G>T on the plus strand (C>A on the coding strand, the complement: ZEB2 is on the minus strand). VCF-style: chr2-144399996-G-T. GRCh37 (hg19) VCF-style: chr2-145157563-G-T.
Other names: c.1119C>A, p.Phe373Leu (NM_001171653.2); short protein forms F373L, F397L.
Identifiers: ClinVar variation 2064820 (VCV002064820.4), dbSNP rs2549107002, ClinGen allele CA348712395.